The following is an entry in ClinVar:

NM_181712.5(KANK4):c.2401T>C (p.Tyr801His)

Gene: KANK4 (KN motif and ankyrin repeat domains 4; minus strand). Cytogenetic location: 1p31.3.
Variant type: single nucleotide variant.
Coding change: c.2401T>C on transcript NM_181712.5 (MANE Select); coding-DNA position 2401, T replaced by C.
Protein change: p.Tyr801His; replaces tyrosine 801 with histidine.
Molecular consequence: missense variant.
Genome position (GRCh38, 1-based): chr1:62,263,230, A>G on the plus strand (T>C on the coding strand, the complement: KANK4 is on the minus strand). VCF-style: chr1-62263230-A-G. GRCh37 (hg19) VCF-style: chr1-62728902-A-G.
Other names: KANK4, TYR801HIS (rs145623004); c.517T>C, p.Tyr173His (NM_001320269.2); c.2401T>C (NM_181712.4); short protein forms Y801H, Y173H.
Identifiers: ClinVar variation 446389 (VCV000446389.21), dbSNP rs145623004, ClinGen allele CA884107.

ClinVar aggregate classification (germline): Conflicting classifications of pathogenicity. Review status: criteria provided, conflicting classifications (1 of 4 stars). 7 submissions from 7 submitters: Uncertain significance (1); Likely benign (3). 3 of the submissions do not count toward it. Last evaluated 2026-01-08.

Conditions:
Nephrotic syndrome. Identifiers: MedGen C0027726, MONDO:0005377, HP:0000100.
KANK4-related disorder. Also called: KANK4-related condition.

Allele frequency attached by ClinVar (database versions not stated): 1000 Genomes Project 0.00020; 1000 Genomes Project 30x 0.00031; ESP Exome Variant Server 0.00062; ExAC 0.00100; gnomAD 0.00107 and 0.00133; gnomAD exomes 0.00112; TOPMed 0.00130.
gnomAD v4.1: 1,862 of 1,613,918 alleles (0.12%); highest among the groups gnomAD compares: Admixed American, 0.16%; 10 homozygotes.

Submissions (7):

Labcorp Genetics (formerly Invitae), Labcorp
Classification: Likely benign. Last evaluated: 2026-01-08. Review status: criteria provided, single submitter. Criteria: Invitae Variant Classification Sherloc (09022015). Collection method: clinical testing. Allele origin: germline.

CeGaT Center for Human Genetics Tuebingen
Classification: Likely benign. Last evaluated: 2025-03-01. Review status: criteria provided, single submitter. Criteria: CeGaT Center For Human Genetics Tuebingen Variant Classification Criteria Version 2. Collection method: clinical testing. Allele origin: germline. Affected: yes. Observed: 1 variant allele.
Comment: KANK4: BS2

Blueprint Genetics
Classification: Uncertain significance. Last evaluated: 2024-11-22. Review status: criteria provided, single submitter. Criteria: ACMG Guidelines, 2015. Collection method: clinical testing. Allele origin: germline.

Breakthrough Genomics
Classification: Likely benign. Review status: criteria provided, single submitter. Criteria: ACMG Guidelines, 2015. Collection method: not provided. Allele origin: germline. Inheritance: Unknown mechanism. Affected: yes.

PreventionGenetics, part of Exact Sciences
Classification: Likely benign for KANK4-related condition. Last evaluated: 2022-04-01. Review status: no assertion criteria provided. Collection method: clinical testing. Allele origin: germline. Not counted in ClinVar's aggregate classification.
Comment: This variant is classified as likely benign based on ACMG/AMP sequence variant interpretation guidelines (Richards et al. 2015 PMID: 25741868, with internal and published modifications).

OMIM
Classification: Uncertain significance for VARIANT OF UNKNOWN SIGNIFICANCE. Last evaluated: 2017-11-27. Review status: no assertion criteria provided. Collection method: literature only. Allele origin: germline. Not counted in ClinVar's aggregate classification.

Yale Center for Mendelian Genomics, Yale University
Classification: Likely pathogenic for Nephrotic syndrome. Last evaluated: 2017-11-10. Review status: no assertion criteria provided. Collection method: literature only. Allele origin: germline. Affected: yes. Observed: 1 homozygote. Study: Yale Center for Mendelian Genomics. Not counted in ClinVar's aggregate classification.

Literature cited by the submitters: PubMed 25961457 (cited by OMIM); PubMed 29127259 (cited by Yale Center for Mendelian Genomics, Yale University).